The following is an entry in ClinVar:

NM_004304.5(ALK):c.4279T>G (p.Ser1427Ala)

Gene: ALK (ALK receptor tyrosine kinase; minus strand). Cytogenetic location: 2p23.2.
Variant type: single nucleotide variant.
Coding change: c.4279T>G on transcript NM_004304.5 (MANE Select); coding-DNA position 4279, T replaced by G.
Protein change: p.Ser1427Ala; replaces serine 1427 with alanine.
Molecular consequence: missense variant.
Genome position (GRCh38, 1-based): chr2:29,193,808, A>C on the plus strand (T>G on the coding strand, the complement: ALK is on the minus strand). VCF-style: chr2-29193808-A-C. GRCh37 (hg19) VCF-style: chr2-29416674-A-C.
Other names: c.1075T>G, p.Ser359Ala (NM_001353765.2); short protein forms S1427A, S359A.
Identifiers: ClinVar variation 2115421 (VCV002115421.4), dbSNP rs1668951556, ClinGen allele CA346462831.
Genomic context (GRCh38, chr2:29,193,808, plus strand): 5'-TGGTAGGCAGAGGTGGTGGGGCAGCTGGGCTGCGCTCCTCCTCCCGTTTTGCCTGTTGAG[A>C]GACCAGGAGAGGAGGAACCCCCTCAGGGTCCTTGGGCCTCACAGGCACTTTCTCTTCCTC-3'
Protein context (NP_004295.2, residues 1417-1437): DPEGVPPLLV[Ser1427Ala]QQAKREEERS

ClinVar aggregate classification (germline): Uncertain significance (1 of 4 stars; one submission).

Conditions:
Neuroblastoma, susceptibility to, 3. Also called: ALK-Related Neuroblastic Tumor Susceptibility. Identifiers: Orphanet 635, MedGen C2751681, MONDO:0013083, OMIM 613014.

Submission:

Labcorp Genetics (formerly Invitae), Labcorp
Classification: Uncertain significance for Neuroblastoma, susceptibility to, 3. Last evaluated: 2022-07-11. Review status: criteria provided, single submitter. Criteria: Invitae Variant Classification Sherloc (09022015). Collection method: clinical testing. Allele origin: germline.
Comment: In summary, the available evidence is currently insufficient to determine the role of this variant in disease. Therefore, it has been classified as a Variant of Uncertain Significance. Algorithms developed to predict the effect of sequence changes on RNA splicing suggest that this variant may disrupt the consensus splice site. Algorithms developed to predict the effect of missense changes on protein structure and function output the following: SIFT: "Deleterious"; PolyPhen-2: "Benign"; Align-GVGD: "Class C0". The alanine amino acid residue is found in multiple mammalian species, which suggests that this missense change does not adversely affect protein function. This variant has not been reported in the literature in individuals affected with ALK-related conditions. This variant is not present in population databases (gnomAD no frequency). This sequence change replaces serine, which is neutral and polar, with alanine, which is neutral and non-polar, at codon 1427 of the ALK protein (p.Ser1427Ala).